The following is an entry in ClinVar:

ClinVar aggregate classification (germline): Conflicting classifications of pathogenicity. Review status: criteria provided, conflicting classifications (1 of 4 stars). 3 submissions from 3 submitters: Uncertain significance (2); Likely benign (1). Last evaluated 2025-10-18.

Conditions:
Inborn genetic diseases. Identifiers: MedGen C0950123, MeSH D030342.
Bardet-Biedl syndrome 19 (BBS19). Identifiers: Orphanet 110, MedGen C3889475, MONDO:0014447, OMIM 615996.

Allele frequency attached by ClinVar (database versions not stated): gnomAD 0.00001 and 0.00005; TOPMed 0.00002; gnomAD exomes 0.00002 and 0.00006; ExAC 0.00006; 1000 Genomes Project 30x 0.00062; 1000 Genomes Project 0.00080.
gnomAD v4.1: 49 of 1,613,718 alleles (0.003%); highest among the groups gnomAD compares: East Asian, 0.033%; no homozygotes.

Submissions (3):

Ambry Genetics
Classification: Uncertain significance for Inborn genetic diseases. Last evaluated: 2025-10-18. Review status: criteria provided, single submitter. Criteria: Ambry Variant Classification Scheme 2023. Collection method: clinical testing. Allele origin: germline.

3billion
Classification: Likely benign for Bardet-Biedl syndrome 19. Last evaluated: 2024-09-20. Review status: criteria provided, single submitter. Criteria: ACMG Guidelines, 2015. Collection method: clinical testing. Allele origin: germline. Affected: no.
Comment: The homozygous variant was found in patients diagnosed with another variant in a different gene, with no symptoms related to the gene containing the homozygous variant.

Labcorp Genetics (formerly Invitae), Labcorp
Classification: Uncertain significance. Last evaluated: 2022-07-19. Review status: criteria provided, single submitter. Criteria: Invitae Variant Classification Sherloc (09022015). Collection method: clinical testing. Allele origin: germline.
Comment: This sequence change replaces valine, which is neutral and non-polar, with leucine, which is neutral and non-polar, at codon 45 of the IFT27 protein (p.Val45Leu). This variant is present in population databases (rs376189927, gnomAD 0.06%). This variant has not been reported in the literature in individuals affected with IFT27-related conditions. ClinVar contains an entry for this variant (Variation ID: 1438203). Advanced modeling of protein sequence and biophysical properties (such as structural, functional, and spatial information, amino acid conservation, physicochemical variation, residue mobility, and thermodynamic stability) performed at Invitae indicates that this missense variant is expected to disrupt IFT27 protein function. In summary, the available evidence is currently insufficient to determine the role of this variant in disease. Therefore, it has been classified as a Variant of Uncertain Significance.

NM_001177701.3(IFT27):c.136G>T (p.Val46Leu)

Gene: IFT27 (intraflagellar transport 27; minus strand). Cytogenetic location: 22q12.3.
Variant type: single nucleotide variant.
Coding change: c.136G>T on transcript NM_001177701.3 (MANE Select); coding-DNA position 136, G replaced by T.
Protein change: p.Val46Leu; replaces valine 46 with leucine.
Molecular consequence: missense variant.
Genome position (GRCh38, 1-based): chr22:36,767,344, C>A on the plus strand (G>T on the coding strand, the complement: IFT27 is on the minus strand). VCF-style: chr22-36767344-C-A. GRCh37 (hg19) VCF-style: chr22-37163388-C-A.
Other names: c.136G>T, p.Val46Leu (NM_001363003.2); c.133G>T, p.Val45Leu (NM_006860.5); c.136G>T (NM_001177701.1); short protein forms V46L, V45L.
Identifiers: ClinVar variation 1438203 (VCV001438203.5), dbSNP rs376189927, ClinGen allele CA10212510.